The following is an entry in ClinVar:

ClinVar aggregate classification (germline): Conflicting classifications of pathogenicity. Review status: criteria provided, conflicting classifications (1 of 4 stars). 12 submissions from 11 submitters: Uncertain significance (1); Likely benign (9). 2 of the submissions do not count toward it. Last evaluated 2025-12-16.

Conditions:
Left ventricular noncompaction 10 (LVNC10). Identifiers: Orphanet 154, Orphanet 54260, MedGen C3715165, MONDO:0014163, OMIM 615396.
Hypertrophic cardiomyopathy 4. Also called: Familial hypertrophic cardiomyopathy 4. Identifiers: MedGen C1861862, MONDO:0007268, OMIM 115197.
Hypertrophic cardiomyopathy. Also called: HYPERTROPHIC MYOCARDIOPATHY. Identifiers: Orphanet 217569, MedGen C0007194, MeSH D002312, MONDO:0005045, HP:0001639.
MYBPC3-related disorder. Also called: MYBPC3-related condition; MYBPC3-related disease; MYBPC3-related disorders.
Cardiovascular phenotype. Identifiers: MedGen CN230736.
Cardiomyopathy (CMYO). Also called: Cardiomyopathies. Identifiers: Orphanet 167848, MedGen C0878544, MONDO:0004994, HP:0001638. Inheritance: Various modes of inheritance.

Allele frequency attached by ClinVar (database versions not stated): TOPMed 0.00003; ExAC 0.00005; gnomAD exomes 0.00005; gnomAD 0.00009.
gnomAD v4.1: 92 of 1,604,966 alleles (0.0057%); highest among the groups gnomAD compares: Middle Eastern, 0.017%; no homozygotes.

Submissions (12):

Labcorp Genetics (formerly Invitae), Labcorp
Classification: Likely benign for Hypertrophic cardiomyopathy. Last evaluated: 2025-12-16. Review status: criteria provided, single submitter. Criteria: Invitae Variant Classification Sherloc (09022015). Collection method: clinical testing. Allele origin: germline.

PreventionGenetics, part of Exact Sciences
Classification: Likely benign for MYBPC3-related condition. Last evaluated: 2025-09-30. Review status: criteria provided, single submitter. Criteria: ACMG Guidelines, 2015. Collection method: clinical testing. Allele origin: germline.
Comment: This variant is classified as likely benign based on ACMG/AMP sequence variant interpretation guidelines (Richards et al. 2015 PMID: 25741868, with internal and published modifications).

Molecular Diagnostic Laboratory for Inherited Cardiovascular Disease, Montreal Heart Institute
Classification: Likely benign. Last evaluated: 2025-04-09. Review status: criteria provided, single submitter. Criteria: ACMG Guidelines, 2015. Collection method: clinical testing. Allele origin: germline. Affected: no.

All of Us Research Program, National Institutes of Health
Classification: Likely benign for Hypertrophic cardiomyopathy. Last evaluated: 2023-12-18. Review status: criteria provided, single submitter. Criteria: ACMG Guidelines, 2015. Collection method: clinical testing. Allele origin: germline. Inheritance: Autosomal dominant inheritance. Observed: 17 variant alleles, 17 heterozygotes.
Comment: This study involves interpretation of variants in research participants for the purpose of population health screening. Participant phenotype was not available at the time of variant classification. Additional details can be found in publication PMID: 35346344, PMCID: PMC8962531

Ambry Genetics
Classification: Likely benign for Cardiovascular phenotype. Last evaluated: 2023-03-24. Review status: criteria provided, single submitter. Criteria: Ambry Variant Classification Scheme 2023. Collection method: clinical testing. Allele origin: germline.

Blueprint Genetics
Classification: Likely benign. Last evaluated: 2022-10-27. Review status: criteria provided, single submitter. Criteria: ACMG Guidelines, 2015. Collection method: clinical testing. Allele origin: germline.

GeneDx
Classification: Likely benign. Last evaluated: 2021-01-04. Review status: criteria provided, single submitter. Criteria: GeneDx Variant Classification Process June 2021. Collection method: clinical testing. Allele origin: germline. Affected: yes.

Color Diagnostics, LLC DBA Color Health
Classification: Likely benign for Cardiomyopathy. Last evaluated: 2018-05-08. Review status: criteria provided, single submitter. Criteria: ACMG Guidelines, 2015. Collection method: clinical testing. Allele origin: germline.

Illumina Laboratory Services, Illumina
Classification: Uncertain significance for Hypertrophic cardiomyopathy 4. Last evaluated: 2017-04-28. Review status: criteria provided, single submitter. Criteria: ICSL Variant Classification Criteria 13 December 2019. Collection method: clinical testing. Allele origin: germline.

Illumina Laboratory Services, Illumina
Classification: Likely benign for Left ventricular noncompaction 10. Last evaluated: 2017-04-28. Review status: criteria provided, single submitter. Criteria: ICSL Variant Classification Criteria 13 December 2019. Collection method: clinical testing. Allele origin: germline.
Comment: This variant was observed as part of a predisposition screen in an ostensibly healthy population. A literature search was performed for the gene, cDNA change, and amino acid change (where applicable). No publications were found based on this search. Allele frequency data from public databases allowed determination this variant is unlikely to cause disease. Therefore, this variant is classified as likely benign.

Clinical Genetics, Academic Medical Center
Classification: Benign. Review status: no assertion criteria provided. Collection method: clinical testing. Allele origin: germline. Affected: yes. Study: VKGL Data-share Consensus. Not counted in ClinVar's aggregate classification.

Genome Diagnostics Laboratory, University Medical Center Utrecht
Classification: Likely benign. Review status: no assertion criteria provided. Collection method: clinical testing. Allele origin: germline. Affected: yes. Study: VKGL Data-share Consensus. Not counted in ClinVar's aggregate classification.

NM_000256.3(MYBPC3):c.648C>T (p.Ala216=)

Gene: MYBPC3 (myosin binding protein C3; minus strand). Cytogenetic location: 11p11.2.
Variant type: single nucleotide variant.
Coding change: c.648C>T on transcript NM_000256.3 (MANE Select); coding-DNA position 648, C replaced by T.
Protein change: p.Ala216=; no amino-acid change (alanine 216 retained).
Molecular consequence: synonymous variant.
Genome position (GRCh38, 1-based): chr11:47,349,780, G>A on the plus strand (C>T on the coding strand, the complement: MYBPC3 is on the minus strand). VCF-style: chr11-47349780-G-A. GRCh37 (hg19) VCF-style: chr11-47371331-G-A.
Other names: c.648C>T, p.Ala216= (LRG_386t1).
Identifiers: ClinVar variation 378188 (VCV000378188.26), dbSNP rs777418402, ClinGen allele CA056211.
Genomic context (GRCh38, chr11:47,349,780, plus strand): 5'-CTAGGGCTCTCCATGTCCCCTCTCTCCGTGTCTCCACGACCCCGGTGGACCCACCTTGCT[G>A]GCGCGGTCGTAGCTGTCGTGCAGCTGCAGGTGCTGGCCCACCTTGCTGCTCAGGTCCACC-3'
Protein context (NP_000247.2, residues 206-226): HLQLHDSYDR[Ala216=]SKVYLFELHI